The following is an entry in ClinVar:

ClinVar aggregate classification (germline): Uncertain significance. Review status: criteria provided, multiple submitters, no conflicts (2 of 4 stars). 2 submissions from 2 submitters: Uncertain significance (2). Last evaluated 2021-04-19.

Submissions (2):

GeneDx
Classification: Uncertain significance. Last evaluated: 2021-04-19. Review status: criteria provided, single submitter. Criteria: GeneDx Variant Classification Process June 2021. Collection method: clinical testing. Allele origin: germline. Affected: yes.
Comment: Not observed in large population cohorts (Lek et al., 2016); In silico analysis supports that this missense variant has a deleterious effect on protein structure/function; Has not been previously published as pathogenic or benign to our knowledge

Labcorp Genetics (formerly Invitae), Labcorp
Classification: Uncertain significance. Last evaluated: 2021-02-03. Review status: criteria provided, single submitter. Criteria: Invitae Variant Classification Sherloc (09022015). Collection method: clinical testing. Allele origin: germline.
Comment: In summary, the available evidence is currently insufficient to determine the role of this variant in disease. Therefore, it has been classified as a Variant of Uncertain Significance. Algorithms developed to predict the effect of missense changes on protein structure and function are either unavailable or do not agree on the potential impact of this missense change (SIFT: "Tolerated"; PolyPhen-2: "Probably Damaging"; Align-GVGD: "Class C0"). This variant has not been reported in the literature in individuals with PPP2R5D-related conditions. This variant is not present in population databases (ExAC no frequency). This sequence change replaces leucine with phenylalanine at codon 136 of the PPP2R5D protein (p.Leu136Phe). The leucine residue is highly conserved and there is a small physicochemical difference between leucine and phenylalanine.

NM_006245.4(PPP2R5D):c.406C>T (p.Leu136Phe)

Gene: PPP2R5D (protein phosphatase 2 regulatory subunit B'delta; plus strand). Cytogenetic location: 6p21.1.
Variant type: single nucleotide variant.
Coding change: c.406C>T on transcript NM_006245.4 (MANE Select); coding-DNA position 406, C replaced by T.
Protein change: p.Leu136Phe; replaces leucine 136 with phenylalanine.
Molecular consequence: missense variant. On other transcripts: 5 prime UTR variant (1).
Genome position (GRCh38, 1-based): chr6:43,006,994, C>T. VCF-style: chr6-43006994-C-T. GRCh37 (hg19) VCF-style: chr6-42974732-C-T.
Other names: c.-48C>T (NM_001270476.2); c.310C>T, p.Leu104Phe (NM_180976.3); c.88C>T, p.Leu30Phe (NM_180977.3); short protein forms L104F, L136F, L30F.
Identifiers: ClinVar variation 1314726 (VCV001314726.9), dbSNP rs2150278463, ClinGen allele CA364182775.